The following is an entry in ClinVar:

NM_000051.4(ATM):c.1259T>C (p.Ile420Thr)

Gene: ATM (ATM serine/threonine kinase; plus strand). Cytogenetic location: 11q22.3.
Variant type: single nucleotide variant.
Coding change: c.1259T>C on transcript NM_000051.4 (MANE Select); coding-DNA position 1259, T replaced by C.
Protein change: p.Ile420Thr; replaces isoleucine 420 with threonine.
Molecular consequence: missense variant.
Genome position (GRCh38, 1-based): chr11:108,250,724, T>C. VCF-style: chr11-108250724-T-C. GRCh37 (hg19) VCF-style: chr11-108121451-T-C.
Other names: c.1259T>C, p.Ile420Thr (NM_001351834.2); short protein forms I420T.
Identifiers: ClinVar variation 960478 (VCV000960478.10), dbSNP rs2080090371, ClinGen allele CA382533319.

ClinVar aggregate classification (germline): Conflicting classifications of pathogenicity. Review status: criteria provided, conflicting classifications (1 of 4 stars). 2 submissions from 2 submitters: Uncertain significance (1); Likely benign (1). Last evaluated 2026-04-22.

Conditions:
Hereditary cancer-predisposing syndrome. Also called: Hereditary Cancer Syndrome; Neoplastic Syndromes, Hereditary; Tumor predisposition; Hereditary neoplastic syndrome. Identifiers: Orphanet 140162, MedGen C0027672, MeSH D009386, MONDO:0015356.
Ataxia-telangiectasia syndrome (AT). Also called: LOUIS-BAR SYNDROME; Ataxia-telangiectasia, complementation group D; Cerebello-oculocutaneous telangiectasia; Immunodeficiency with ataxia telangiectasia; AT, COMPLEMENTATION GROUP C; ATAXIA-TELANGIECTASIA, COMPLEMENTATION GROUP A. Identifiers: Orphanet 100, MedGen C0004135, MONDO:0008840, OMIM 208900.

Submissions (2):

Ambry Genetics
Classification: Likely benign for Hereditary cancer-predisposing syndrome. Last evaluated: 2026-04-22. Review status: criteria provided, single submitter. Criteria: Ambry Variant Classification Scheme 2023. Collection method: clinical testing. Allele origin: germline.

Labcorp Genetics (formerly Invitae), Labcorp
Classification: Uncertain significance for Ataxia-telangiectasia syndrome. Last evaluated: 2019-10-02. Review status: criteria provided, single submitter. Criteria: Invitae Variant Classification Sherloc (09022015). Collection method: clinical testing. Allele origin: germline.
Comment: In summary, the available evidence is currently insufficient to determine the role of this variant in disease. Therefore, it has been classified as a Variant of Uncertain Significance. Algorithms developed to predict the effect of missense changes on protein structure and function are either unavailable or do not agree on the potential impact of this missense change (SIFT: "Deleterious"; PolyPhen-2: "Benign"; Align-GVGD: "Class C25"). This variant has not been reported in the literature in individuals with ATM-related conditions. This sequence change replaces isoleucine with threonine at codon 420 of the ATM protein (p.Ile420Thr). The isoleucine residue is moderately conserved and there is a moderate physicochemical difference between isoleucine and threonine. This variant is not present in population databases (ExAC no frequency).